The following is an entry in ClinVar:

ClinVar aggregate classification (germline): Conflicting classifications of pathogenicity. Review status: criteria provided, conflicting classifications (1 of 4 stars). 4 submissions from 4 submitters: Uncertain significance (3); Likely benign (1). Last evaluated 2026-01-29.

Conditions:
COL4A3-related disorder. Also called: COL4A3-related condition; COL4A3-Related Disorders.
Inborn genetic diseases. Identifiers: MedGen C0950123, MeSH D030342.

Allele frequency attached by ClinVar (database versions not stated): gnomAD 0.00012; TOPMed 0.00020.
gnomAD v4.1: 32 of 1,613,942 alleles (0.002%); highest among the groups gnomAD compares: Admixed American, 0.053%; no homozygotes.

Submissions (4):

PreventionGenetics, part of Exact Sciences
Classification: Uncertain significance for COL4A3-related condition. Last evaluated: 2026-01-29. Review status: criteria provided, single submitter. Criteria: ACMG Guidelines, 2015. Collection method: clinical testing. Allele origin: germline.
Comment: The COL4A3 c.2794G>T variant is predicted to result in the amino acid substitution p.Ala932Ser. To our knowledge, this variant has not been reported in the literature. This variant is reported in 0.035% of alleles in individuals of Latino descent in gnomAD. At this time, the clinical significance of this variant is uncertain due to the absence of conclusive functional and genetic evidence.

Labcorp Genetics (formerly Invitae), Labcorp
Classification: Likely benign. Last evaluated: 2025-11-25. Review status: criteria provided, single submitter. Criteria: Invitae Variant Classification Sherloc (09022015). Collection method: clinical testing. Allele origin: germline.

Ambry Genetics
Classification: Uncertain significance for Inborn genetic diseases. Last evaluated: 2024-12-22. Review status: criteria provided, single submitter. Criteria: Ambry Variant Classification Scheme 2023. Collection method: clinical testing. Allele origin: germline.

GeneDx
Classification: Uncertain significance. Last evaluated: 2023-03-26. Review status: criteria provided, single submitter. Criteria: GeneDx Variant Classification Process June 2021. Collection method: clinical testing. Allele origin: germline. Affected: yes.
Comment: In silico analysis supports that this missense variant does not alter protein structure/function; Occurs in the triple helical domain at the X position in the canonical Gly-X-Y repeat; although this variant may have an effect on normal protein folding and function, missense substitution at the X position is not a common mechanism of disease; Has not been previously published as pathogenic or benign to our knowledge

NM_000091.5(COL4A3):c.2794G>T (p.Ala932Ser)

Genes: COL4A3 (collagen type IV alpha 3 chain; plus strand), MFF-DT (MFF divergent transcript; minus strand). Cytogenetic location: 2q36.3.
Variant type: single nucleotide variant.
Coding change: c.2794G>T on transcript NM_000091.5 (MANE Select); coding-DNA position 2794, G replaced by T.
Protein change: p.Ala932Ser; replaces alanine 932 with serine.
Molecular consequence: missense variant.
Genome position (GRCh38, 1-based): chr2:227,284,258, G>T. VCF-style: chr2-227284258-G-T. GRCh37 (hg19) VCF-style: chr2-228148974-G-T.
Other names: short protein forms A932S.
Identifiers: ClinVar variation 2140242 (VCV002140242.7), dbSNP rs1338508417, ClinGen allele CA350851932.
Genomic context (GRCh38, chr2:227,284,258, plus strand): 5'-TCCTGTCTGTTAGGGAGCCCTGGAATTCCAGGAGTAAAGGGCCAGAGAGGAACCCCAGGA[G>T]CCAAGGGGGAACAAGGAGATAAAGGAAATCCCGGGCCTTCAGAGATATCCCACGTAATAG-3'
Protein context (NP_000082.2, residues 922-942): GVKGQRGTPG[Ala932Ser]KGEQGDKGNP